The following is an entry in ClinVar:

ClinVar aggregate classification (germline): Uncertain significance (1 of 4 stars; one submission).

Allele frequency attached by ClinVar (database versions not stated): gnomAD exomes below 0.00001; gnomAD 0.00002; TOPMed 0.00003.
gnomAD v4.1: 5 of 1,613,906 alleles (0.00031%); highest among the groups gnomAD compares: African/African-American, 0.0067%; no homozygotes.

Submission:

Labcorp Genetics (formerly Invitae), Labcorp
Classification: Uncertain significance. Last evaluated: 2024-09-29. Review status: criteria provided, single submitter. Criteria: Invitae Variant Classification Sherloc (09022015). Collection method: clinical testing. Allele origin: germline.
Comment: This sequence change replaces valine, which is neutral and non-polar, with leucine, which is neutral and non-polar, at codon 447 of the HYOU1 protein (p.Val447Leu). This variant is present in population databases (rs143266723, gnomAD 0.007%). This variant has not been reported in the literature in individuals affected with HYOU1-related conditions. ClinVar contains an entry for this variant (Variation ID: 1499247). An algorithm developed to predict the effect of missense changes on protein structure and function (PolyPhen-2) suggests that this variant is likely to be disruptive. In summary, the available evidence is currently insufficient to determine the role of this variant in disease. Therefore, it has been classified as a Variant of Uncertain Significance.

NM_006389.5(HYOU1):c.1339G>T (p.Val447Leu)

Gene: HYOU1 (hypoxia up-regulated 1; minus strand). Cytogenetic location: 11q23.3.
Variant type: single nucleotide variant.
Coding change: c.1339G>T on transcript NM_006389.5 (MANE Select); coding-DNA position 1339, G replaced by T.
Protein change: p.Val447Leu; replaces valine 447 with leucine.
Molecular consequence: missense variant.
Genome position (GRCh38, 1-based): chr11:119,051,625, C>A on the plus strand (G>T on the coding strand, the complement: HYOU1 is on the minus strand). VCF-style: chr11-119051625-C-A. GRCh37 (hg19) VCF-style: chr11-118922337-C-A.
Other names: c.1339G>T, p.Val447Leu (NM_001130991.3); short protein forms V447L.
Identifiers: ClinVar variation 1499247 (VCV001499247.8), dbSNP rs143266723, ClinGen allele CA229622055.